The following is an entry in ClinVar:

ClinVar aggregate classification (germline): Uncertain significance (1 of 4 stars; one submission).

gnomAD v4.1: 1 of 1,611,854 alleles (0.000062%); highest among the groups gnomAD compares: Non-Finnish European, 0.000085%; no homozygotes.

Submission:

CeGaT Center for Human Genetics Tuebingen
Classification: Uncertain significance. Last evaluated: 2024-02-01. Review status: criteria provided, single submitter. Criteria: CeGaT Center For Human Genetics Tuebingen Variant Classification Criteria Version 2. Collection method: clinical testing. Allele origin: germline. Affected: yes. Observed: 1 variant allele.
Comment: ZNF292: PM2, BP4

NM_015021.3(ZNF292):c.4531C>T (p.His1511Tyr)

Gene: ZNF292 (zinc finger protein 292; plus strand). Cytogenetic location: 6q14.3.
Variant type: single nucleotide variant.
Coding change: c.4531C>T on transcript NM_015021.3 (MANE Select); coding-DNA position 4531, C replaced by T.
Protein change: p.His1511Tyr; replaces histidine 1511 with tyrosine.
Molecular consequence: missense variant.
Genome position (GRCh38, 1-based): chr6:87,258,160, C>T. VCF-style: chr6-87258160-C-T. GRCh37 (hg19) VCF-style: chr6-87967878-C-T.
Other names: c.4111C>T, p.His1371Tyr (NM_001351444.2); short protein forms H1371Y, H1511Y.
Identifiers: ClinVar variation 3025101 (VCV003025101.22), dbSNP rs2482329454, ClinGen allele CA364927591.
Genomic context (GRCh38, chr6:87,258,160, plus strand): 5'-AAACAGGCTTTGGAAACTGCTGGCATTCCCAGTACATTTGAGGGTGCCGAAATGCTTTCT[C>T]ATGTTTCAACAGGTTGTGTCTCTGATGCATCACAAGTAAATGCAACGGTGATGCCAAATC-3'
Protein context (NP_055836.1, residues 1501-1521): STFEGAEMLS[His1511Tyr]VSTGCVSDAS